The following is an entry in ClinVar:

NM_001164508.2(NEB):c.2432A>T (p.Asp811Val)

Gene: NEB (nebulin; minus strand). Cytogenetic location: 2q23.3.
Variant type: single nucleotide variant.
Coding change: c.2432A>T on transcript NM_001164508.2 (MANE Select); coding-DNA position 2432, A replaced by T.
Protein change: p.Asp811Val; replaces aspartic acid 811 with valine.
Molecular consequence: missense variant.
Genome position (GRCh38, 1-based): chr2:151,687,717, T>A on the plus strand (A>T on the coding strand, the complement: NEB is on the minus strand). VCF-style: chr2-151687717-T-A. GRCh37 (hg19) VCF-style: chr2-152544231-T-A.
Other names: c.2432A>T, p.Asp811Val (NM_001164507.2, NM_001271208.2, NM_004543.5); c.2432A>T (NM_004543.4); short protein forms D811V.
Identifiers: ClinVar variation 950662 (VCV000950662.8), dbSNP rs896028175, ClinGen allele CA348822995.

ClinVar aggregate classification (germline): Uncertain significance. Review status: criteria provided, multiple submitters, no conflicts (2 of 4 stars). 2 submissions from 2 submitters: Uncertain significance (2). Last evaluated 2026-08-12.

Conditions:
Inborn genetic diseases. Identifiers: MedGen C0950123, MeSH D030342.
Nemaline myopathy 2 (NEM2). Also called: Nemaline myopathy 2, autosomal recessive. Identifiers: MedGen C1850569, MONDO:0009725, OMIM 256030.

Allele frequency attached by ClinVar (database versions not stated): gnomAD exomes 0.00001; TOPMed 0.00001.
gnomAD v4.1: 14 of 1,588,252 alleles (0.00088%); highest among the groups gnomAD compares: Non-Finnish European, 0.0012%; no homozygotes.

Submissions (2):

Ambry Genetics
Classification: Uncertain significance for Inborn genetic diseases. Last evaluated: 2026-08-12. Review status: criteria provided, single submitter. Criteria: Ambry Variant Classification Scheme 2023. Collection method: clinical testing. Allele origin: germline.

Labcorp Genetics (formerly Invitae), Labcorp
Classification: Uncertain significance for Nemaline myopathy 2. Last evaluated: 2022-07-05. Review status: criteria provided, single submitter. Criteria: Invitae Variant Classification Sherloc (09022015). Collection method: clinical testing. Allele origin: germline.
Comment: This sequence change replaces aspartic acid, which is acidic and polar, with valine, which is neutral and non-polar, at codon 811 of the NEB protein (p.Asp811Val). This variant is not present in population databases (gnomAD no frequency). This variant has not been reported in the literature in individuals affected with NEB-related conditions. ClinVar contains an entry for this variant (Variation ID: 950662). Algorithms developed to predict the effect of missense changes on protein structure and function are either unavailable or do not agree on the potential impact of this missense change (SIFT: "Deleterious"; PolyPhen-2: "Not Available"; Align-GVGD: "Class C0"). In summary, the available evidence is currently insufficient to determine the role of this variant in disease. Therefore, it has been classified as a Variant of Uncertain Significance.